The following is an entry in ClinVar:

ClinVar aggregate classification (germline): Uncertain significance (1 of 4 stars; one submission).

Submission:

GeneDx
Classification: Uncertain significance. Last evaluated: 2026-03-27. Review status: criteria provided, single submitter. Criteria: GeneDx Variant Classification Process June 2021. Collection method: clinical testing. Allele origin: germline.
Comment: Not observed at significant frequency in large population cohorts (gnomAD); In silico analysis suggests that this missense variant does not alter protein structure/function; Has not been previously published as pathogenic or benign to our knowledge

NM_003128.3(SPTBN1):c.412A>G (p.Ile138Val)

Gene: SPTBN1 (spectrin beta, non-erythrocytic 1; plus strand). Cytogenetic location: 2p16.2.
Variant type: single nucleotide variant.
Coding change: c.412A>G on transcript NM_003128.3 (MANE Select); coding-DNA position 412, A replaced by G.
Protein change: p.Ile138Val; replaces isoleucine 138 with valine.
Molecular consequence: missense variant.
Genome position (GRCh38, 1-based): chr2:54,612,272, A>G. VCF-style: chr2-54612272-A-G. GRCh37 (hg19) VCF-style: chr2-54839409-A-G.
Other names: c.373A>G, p.Ile125Val (NM_178313.3); short protein forms I125V, I138V.
Identifiers: ClinVar variation 5017396 (VCV005017396.1).